The following is an entry in ClinVar:

ClinVar aggregate classification (germline): Pathogenic/Likely pathogenic. Review status: criteria provided, multiple submitters, no conflicts (2 of 4 stars). 5 submissions from 5 submitters: Pathogenic (3); Likely pathogenic (1). 1 of the submissions does not count toward it. Last evaluated 2026-03-31.

Conditions:
Niemann-Pick disease, type A. Also called: Infantile Neurovisceral ASMD (Niemann-Pick Disease Type A; NPD-A); SPHINGOMYELIN LIPIDOSIS; SPHINGOMYELINASE DEFICIENCY. Identifiers: Orphanet 77292, MedGen C0268242, MONDO:0009756, OMIM 257200. Disease mechanism: loss of function.
Niemann-Pick disease, type B. Also called: Chronic Visceral ASMD (Niemann-Pick Disease Type B; NPD-B). Identifiers: Orphanet 77293, MedGen C0268243, MONDO:0011871, OMIM 607616. Disease mechanism: loss of function.
SMPD1-related disorder. Also called: SMPD1-related condition.

Submissions (5):

PreventionGenetics, part of Exact Sciences
Classification: Pathogenic for SMPD1-related condition. Last evaluated: 2026-03-31. Review status: criteria provided, single submitter. Criteria: ACMG Guidelines, 2015. Collection method: clinical testing. Allele origin: germline.
Comment: The SMPD1 c.1783_1784delCT variant is predicted to result in a frameshift and premature protein termination (p.Ala597Profs*7). This variant was reported, along with a second frameshift variant in the same gene, in an individual with Niemann-Pick disease (Dalal et al. 2015. PubMed ID: 26913189). This variant is located in the last exon of the gene and may therefore escape nonsense-mediated decay; however, other truncating variants in this region have been reported in association with disease (Ranganath et al. 2016. PubMed ID: 27338287). This variant is reported in 0.00088% of alleles in individuals of European (Non-Finnish) descent in gnomAD. Frameshift variants in SMPD1 are expected to be pathogenic. This variant is interpreted as pathogenic.

Natera, Inc.
Classification: Likely pathogenic for Niemann-Pick Disease, Types A/B. Last evaluated: 2025-01-10. Review status: criteria provided, single submitter. Criteria: Natera Variant Classification Schema (03/2026). Collection method: clinical testing. Allele origin: germline.
Comment: The c.1783_1784delCT variant in SMPD1 is a frameshift variant predicted to shift the reading frame beginning at codon 597 and leads to a stop codon 7 codons downstream. This variant is expected to result in nonsense mediated decay, truncation, or a dysfunctional protein product. This variant is rare in the general population with a frequency below the threshold expected for the associated phenotype(s). This variant has been observed in one or more individuals affected with the associated recessive disease, as either homozygous or compound heterozygous with a second variant (PMID: 15877209, 26913189, 14681755). Additionally, this variant has been observed to segregate in affected family members (PMID: 15877209). Given the available evidence, this variant is classified as Likely Pathogenic.

Labcorp Genetics (formerly Invitae), Labcorp
Classification: Pathogenic for Niemann-Pick disease, type B; Niemann-Pick disease, type A. Last evaluated: 2024-10-07. Review status: criteria provided, single submitter. Criteria: Invitae Variant Classification Sherloc (09022015). Collection method: clinical testing. Allele origin: germline.
Comment: This sequence change creates a premature translational stop signal (p.Ala597Profs*7) in the SMPD1 gene. While this is not anticipated to result in nonsense mediated decay, it is expected to disrupt the last 35 amino acid(s) of the SMPD1 protein. This variant is present in population databases (no rsID available, gnomAD 0.0009%). This premature translational stop signal has been observed in individual(s) with ASM deficiency (PMID: 15877209, 26913189). ClinVar contains an entry for this variant (Variation ID: 556898). This variant disrupts a region of the SMPD1 protein in which other variant(s) (p.Arg602Valfs*11) have been determined to be pathogenic (PMID: 27338287; internal data). This suggests that this is a clinically significant region of the protein, and that variants that disrupt it are likely to be disease-causing. For these reasons, this variant has been classified as Pathogenic.

Baylor Genetics
Classification: Pathogenic for Niemann-Pick disease, type A. Last evaluated: 2024-02-20. Review status: criteria provided, single submitter. Criteria: ACMG Guidelines, 2015. Collection method: clinical testing. Allele origin: unknown.

Counsyl
Classification: Likely pathogenic for Niemann-Pick disease, type A. Last evaluated: 2018-02-26. Review status: no assertion criteria provided. Collection method: clinical testing. Allele origin: unknown. Not counted in ClinVar's aggregate classification.

Literature cited by the submitters: PubMed 15877209 (cited by Natera, Inc. and Labcorp Genetics (formerly Invitae), Labcorp); PubMed 26913189 (cited by 3 submitters); PubMed 14681755 (cited by Natera, Inc.); PubMed 27338287 (cited by Labcorp Genetics (formerly Invitae), Labcorp).

NM_000543.5(SMPD1):c.1783_1784del (p.Ala597fs)

Gene: SMPD1 (sphingomyelin phosphodiesterase 1; plus strand). Cytogenetic location: 11p15.4.
Variant type: Microsatellite.
Coding change: c.1783_1784del on transcript NM_000543.5 (MANE Select); coding-DNA positions 1783 to 1784, 2 bases deleted (CT; older notation c.1783_1784delCT).
Protein change: p.Ala597fs; shifts the reading frame from alanine 597.
Molecular consequence: frameshift variant. On other transcripts: 3 prime UTR variant (1), non-coding transcript variant (2).
Genome position (GRCh38, 1-based): chr11:6,394,494-6,394,495, CT deleted; deleting any 2 consecutive bases within chr11:6,394,492-6,394,495 gives the same sequence; the c. name uses the placement nearest the transcript's 3' end. VCF-style (leftmost placement, unchanged base first): chr11-6394491-ACT-A. GRCh37 (hg19) VCF-style: chr11-6415721-ACT-A.
Other names: c.1780_1781del, p.Ala596fs (NM_001007593.3); c.*274CT[1] (NM_001318087.2); c.862_863del, p.Ala290fs (NM_001318088.2); c.1651_1652del, p.Ala553fs (NM_001365135.2); short protein forms A596fs, A290fs, A553fs, A597fs.
Identifiers: ClinVar variation 556898 (VCV000556898.19), dbSNP rs1437508852, ClinGen allele CA597438259.